The following is an entry in ClinVar:

NM_001005242.3(PKP2):c.922G>T (p.Val308Phe)

Gene: PKP2 (plakophilin 2; minus strand). Cytogenetic location: 12p11.21.
Variant type: single nucleotide variant.
Coding change: c.922G>T on transcript NM_001005242.3 (MANE Select); coding-DNA position 922, G replaced by T.
Protein change: p.Val308Phe; replaces valine 308 with phenylalanine.
Molecular consequence: missense variant.
Genome position (GRCh38, 1-based): chr12:32,877,958, C>A on the plus strand (G>T on the coding strand, the complement: PKP2 is on the minus strand). VCF-style: chr12-32877958-C-A. GRCh37 (hg19) VCF-style: chr12-33030892-C-A.
Other names: c.922G>T, p.Val308Phe (NM_004572.4); short protein forms V308F.
Identifiers: ClinVar variation 926488 (VCV000926488.5), dbSNP rs1956947894, ClinGen allele CA384362018.

ClinVar aggregate classification (germline): Uncertain significance. Review status: criteria provided, multiple submitters, no conflicts (2 of 4 stars). 2 submissions from 2 submitters: Uncertain significance (2). Last evaluated 2025-07-13.

Conditions:
Arrhythmogenic right ventricular dysplasia 9 (ARVD9). Also called: Arrhythmogenic Right Ventricular Dysplasia/Cardiomyopathy 9; ARRHYTHMOGENIC RIGHT VENTRICULAR DYSPLASIA, FAMILIAL, 9. Identifiers: MedGen C1836906, MONDO:0012180, OMIM 609040.
Cardiomyopathy (CMYO). Also called: Cardiomyopathies. Identifiers: Orphanet 167848, MedGen C0878544, MONDO:0004994, HP:0001638. Inheritance: Various modes of inheritance.

Submissions (2):

Labcorp Genetics (formerly Invitae), Labcorp
Classification: Uncertain significance for Arrhythmogenic right ventricular dysplasia 9. Last evaluated: 2025-07-13. Review status: criteria provided, single submitter. Criteria: Invitae Variant Classification Sherloc (09022015). Collection method: clinical testing. Allele origin: germline.
Comment: This sequence change replaces valine, which is neutral and non-polar, with phenylalanine, which is neutral and non-polar, at codon 308 of the PKP2 protein (p.Val308Phe). This variant is not present in population databases (gnomAD no frequency). This variant has not been reported in the literature in individuals affected with PKP2-related conditions. ClinVar contains an entry for this variant (Variation ID: 926488). An algorithm developed to predict the effect of missense changes on protein structure and function (PolyPhen-2) suggests that this variant is likely to be tolerated. In summary, the available evidence is currently insufficient to determine the role of this variant in disease. Therefore, it has been classified as a Variant of Uncertain Significance.

Color Diagnostics, LLC DBA Color Health
Classification: Uncertain significance for Cardiomyopathy. Last evaluated: 2024-03-06. Review status: criteria provided, single submitter. Criteria: ACMG Guidelines, 2015. Collection method: clinical testing. Allele origin: germline.
Comment: This missense variant replaces valine with phenylalanine at codon 308 of the PKP2 protein. Computational prediction tool suggests that this variant may not impact protein structure and function (internally defined REVEL score threshold <=0.5, PMID: 27666373). Splice site prediction tools suggest that this variant may not impact RNA splicing. To our knowledge, functional studies have not been performed for this variant. This variant has not been reported in individuals affected with cardiovascular disorders in the literature. This variant has not been identified in the general population by the Genome Aggregation Database (gnomAD). The available evidence is insufficient to determine the role of this variant in disease conclusively. Therefore, this variant is classified as a Variant of Uncertain Significance.